The following is an entry in ClinVar:

NM_032447.5(FBN3):c.3088G>A (p.Asp1030Asn)

Gene: FBN3 (fibrillin 3; minus strand). Cytogenetic location: 19p13.2.
Variant type: single nucleotide variant.
Coding change: c.3088G>A on transcript NM_032447.5 (MANE Select); coding-DNA position 3088, G replaced by A.
Protein change: p.Asp1030Asn; replaces aspartic acid 1030 with asparagine.
Molecular consequence: missense variant.
Genome position (GRCh38, 1-based): chr19:8,121,381, C>T on the plus strand (G>A on the coding strand, the complement: FBN3 is on the minus strand). VCF-style: chr19-8121381-C-T. GRCh37 (hg19) VCF-style: chr19-8186265-C-T.
Other names: c.3088G>A, p.Asp1030Asn (NM_001321431.2); c.3088G>A (NM_032447.3, NM_001321431.1); short protein forms D1030N.
Identifiers: ClinVar variation 1330885 (VCV001330885.18), dbSNP rs142237067, ClinGen allele CA9152577.

ClinVar aggregate classification (germline): Conflicting classifications of pathogenicity. Review status: criteria provided, conflicting classifications (1 of 4 stars). 4 submissions from 4 submitters: Uncertain significance (2); Likely benign (1). 1 of the submissions does not count toward it. Last evaluated 2025-12-26.

Conditions:
FBN3-related disorder. Also called: FBN3-related condition.

Allele frequency attached by ClinVar (database versions not stated): gnomAD 0.00089 and 0.00094; gnomAD exomes 0.00089 and 0.00104; ExAC 0.00116; 1000 Genomes Project 30x 0.00016; 1000 Genomes Project 0.00020; TOPMed 0.00081; ESP Exome Variant Server 0.00085.
gnomAD v4.1: 1,415 of 1,591,458 alleles (0.089%); highest among the groups gnomAD compares: Admixed American, 0.13%; 3 homozygotes.

Submissions (4):

Labcorp Genetics (formerly Invitae), Labcorp
Classification: Likely benign. Last evaluated: 2025-12-26. Review status: criteria provided, single submitter. Criteria: Invitae Variant Classification Sherloc (09022015). Collection method: clinical testing. Allele origin: germline.

Ambry Genetics
Classification: Uncertain significance. Last evaluated: 2023-12-17. Review status: criteria provided, single submitter. Criteria: Ambry Variant Classification Scheme 2023. Collection method: clinical testing. Allele origin: germline.

ARUP Laboratories, Molecular Genetics and Genomics, ARUP Laboratories
Classification: Uncertain significance. Last evaluated: 2021-02-10. Review status: criteria provided, single submitter. Criteria: ARUP Molecular Germline Variant Investigation Process 2021. Collection method: clinical testing. Allele origin: germline.

PreventionGenetics, part of Exact Sciences
Classification: Likely benign for FBN3-related condition. Last evaluated: 2020-06-29. Review status: no assertion criteria provided. Collection method: clinical testing. Allele origin: germline. Not counted in ClinVar's aggregate classification.
Comment: This variant is classified as likely benign based on ACMG/AMP sequence variant interpretation guidelines (Richards et al. 2015 PMID: 25741868, with internal and published modifications).